The following is an entry in ClinVar:

NM_005702.4(ERAL1):c.454G>A (p.Ala152Thr)

Gene: ERAL1 (Era like 12S mitochondrial rRNA chaperone 1; plus strand). Cytogenetic location: 17q11.2.
Variant type: single nucleotide variant.
Coding change: c.454G>A on transcript NM_005702.4 (MANE Select); coding-DNA position 454, G replaced by A.
Protein change: p.Ala152Thr; replaces alanine 152 with threonine.
Molecular consequence: missense variant. On other transcripts: non-coding transcript variant (1).
Genome position (GRCh38, 1-based): chr17:28,856,547, G>A. VCF-style: chr17-28856547-G-A. GRCh37 (hg19) VCF-style: chr17-27183565-G-A.
Other names: c.454G>A, p.Ala152Thr (NM_001317985.2, NM_001317986.2); short protein forms A152T.
Identifiers: ClinVar variation 3047013 (VCV003047013.2), dbSNP rs144746939, ClinGen allele CA8468566.
Genomic context (GRCh38, chr17:28,856,547, plus strand): 5'-CTCCTTTGTTCCTGGCAGGTGTTCCCTGTTTCCAGGAAGGTGCATACTACTCGCTGCCAA[G>A]CTCTGGGGGTCATCACAGAGAAGGAGACCCAGGTGGTGGGTACCTACAAAGGGAGTCCTT-3'
Protein context (NP_005693.1, residues 142-162): SRKVHTTRCQ[Ala152Thr]LGVITEKETQ

ClinVar aggregate classification (germline): Likely benign (0 of 4 stars; one submission).

Conditions:
ERAL1-related disorder. Also called: ERAL1-related condition.

Allele frequency attached by ClinVar (database versions not stated): gnomAD exomes 0.00015; ExAC 0.00043; 1000 Genomes Project 30x 0.00094; gnomAD 0.00119; 1000 Genomes Project 0.00120; ESP Exome Variant Server 0.00146; TOPMed 0.00153.
gnomAD v4.1: 418 of 1,614,042 alleles (0.026%); highest among the groups gnomAD compares: African/African-American, 0.4%; 1 homozygote.

Submission:

PreventionGenetics, part of Exact Sciences
Classification: Likely benign for ERAL1-related condition. Last evaluated: 2022-04-01. Review status: no assertion criteria provided. Collection method: clinical testing. Allele origin: germline.
Comment: This variant is classified as likely benign based on ACMG/AMP sequence variant interpretation guidelines (Richards et al. 2015 PMID: 25741868, with internal and published modifications).